The following is an entry in ClinVar:

NM_000321.3(RB1):c.371T>C (p.Ile124Thr)

Gene: RB1 (RB transcriptional corepressor 1; plus strand). Cytogenetic location: 13q14.2.
Variant type: single nucleotide variant.
Coding change: c.371T>C on transcript NM_000321.3 (MANE Select); coding-DNA position 371, T replaced by C.
Protein change: p.Ile124Thr; replaces isoleucine 124 with threonine.
Molecular consequence: missense variant.
Genome position (GRCh38, 1-based): chr13:48,342,705, T>C. VCF-style: chr13-48342705-T-C. GRCh37 (hg19) VCF-style: chr13-48916841-T-C.
Other names: c.371T>C, p.Ile124Thr (NM_001407165.1, NM_001407166.1); short protein forms I124T.
Identifiers: ClinVar variation 2146099 (VCV002146099.7), dbSNP rs1271889879, ClinGen allele CA388252554.

ClinVar aggregate classification (germline): Uncertain significance. Review status: criteria provided, multiple submitters, no conflicts (2 of 4 stars). 2 submissions from 2 submitters: Uncertain significance (2). Last evaluated 2025-10-06.

Conditions:
Hereditary cancer-predisposing syndrome. Also called: Tumor predisposition; Hereditary neoplastic syndrome; Hereditary Cancer Syndrome; Neoplastic Syndromes, Hereditary. Identifiers: Orphanet 140162, MedGen C0027672, MeSH D009386, MONDO:0015356.
Retinoblastoma (RB1). Also called: RETINOBLASTOMA, SOMATIC. Identifiers: Orphanet 790, MedGen C0035335, MeSH D012175, MONDO:0008380, OMIM 180200, HP:0009919. Disease mechanism: loss of function. Inheritance: Both sporadic and heritable forms are tested..

Allele frequency attached by ClinVar (database versions not stated): gnomAD exomes below 0.00001; gnomAD 0.00001; 1000 Genomes Project 30x 0.00016.
gnomAD v4.1: 5 of 1,597,166 alleles (0.00031%); highest among the groups gnomAD compares: African/African-American, 0.0013%; no homozygotes.

Submissions (2):

Ambry Genetics
Classification: Uncertain significance for Hereditary cancer-predisposing syndrome. Last evaluated: 2025-10-06. Review status: criteria provided, single submitter. Criteria: Ambry Variant Classification Scheme 2023. Collection method: clinical testing. Allele origin: germline.
Comment: The p.I124T variant (also known as c.371T>C), located in coding exon 3 of the RB1 gene, results from a T to C substitution at nucleotide position 371. The isoleucine at codon 124 is replaced by threonine, an amino acid with similar properties. This amino acid position is well conserved in available vertebrate species. In addition, this alteration is predicted to be tolerated by in silico analysis. Based on the available evidence, the clinical significance of this variant remains unclear.

Labcorp Genetics (formerly Invitae), Labcorp
Classification: Uncertain significance for Retinoblastoma. Last evaluated: 2023-06-14. Review status: criteria provided, single submitter. Criteria: Invitae Variant Classification Sherloc (09022015). Collection method: clinical testing. Allele origin: germline.
Comment: This variant has not been reported in the literature in individuals affected with RB1-related conditions. In summary, the available evidence is currently insufficient to determine the role of this variant in disease. Therefore, it has been classified as a Variant of Uncertain Significance. Advanced modeling of protein sequence and biophysical properties (such as structural, functional, and spatial information, amino acid conservation, physicochemical variation, residue mobility, and thermodynamic stability) performed at Invitae indicates that this missense variant is not expected to disrupt RB1 protein function. ClinVar contains an entry for this variant (Variation ID: 2146099). This variant is present in population databases (no rsID available, gnomAD 0.004%). This sequence change replaces isoleucine, which is neutral and non-polar, with threonine, which is neutral and polar, at codon 124 of the RB1 protein (p.Ile124Thr).